The following is an entry in ClinVar:

NM_001605.3(AARS1):c.2088C>T (p.Val696=)

Gene: AARS1 (alanyl-tRNA synthetase 1; minus strand). Cytogenetic location: 16q22.1.
Variant type: single nucleotide variant.
Coding change: c.2088C>T on transcript NM_001605.3 (MANE Select); coding-DNA position 2088, C replaced by T.
Protein change: p.Val696=; no amino-acid change (valine 696 retained).
Molecular consequence: synonymous variant.
Genome position (GRCh38, 1-based): chr16:70,258,122, G>A on the plus strand (C>T on the coding strand, the complement: AARS1 is on the minus strand). VCF-style: chr16-70258122-G-A. GRCh37 (hg19) VCF-style: chr16-70292025-G-A.
Identifiers: ClinVar variation 1906722 (VCV001906722.6), dbSNP rs761976449, ClinGen allele CA8140568.

ClinVar aggregate classification (germline): Likely benign. Review status: criteria provided, multiple submitters, no conflicts (2 of 4 stars). 2 submissions from 2 submitters: Likely benign (2). Last evaluated 2025-12-16.

Conditions:
AARS1-related disorder. Also called: AARS1-related condition.
Charcot-Marie-Tooth disease type 2. Also called: Charcot-Marie-Tooth type 2. Identifiers: Orphanet 64746, MedGen C0270914, MONDO:0018993.

Allele frequency attached by ClinVar (database versions not stated): ExAC 0.00003; gnomAD 0.00003; TOPMed 0.00004.
gnomAD v4.1: 18 of 1,613,494 alleles (0.0011%); highest among the groups gnomAD compares: African/African-American, 0.0067%; no homozygotes.

Submissions (2):

PreventionGenetics, part of Exact Sciences
Classification: Likely benign for AARS1-related condition. Last evaluated: 2025-12-16. Review status: criteria provided, single submitter. Criteria: ACMG Guidelines, 2015. Collection method: clinical testing. Allele origin: germline.
Comment: This variant is classified as likely benign based on ACMG/AMP sequence variant interpretation guidelines (Richards et al. 2015 PMID: 25741868, with internal and published modifications).

Labcorp Genetics (formerly Invitae), Labcorp
Classification: Likely benign for Charcot-Marie-Tooth disease type 2. Last evaluated: 2022-04-04. Review status: criteria provided, single submitter. Criteria: Invitae Variant Classification Sherloc (09022015). Collection method: clinical testing. Allele origin: germline.